The following is an entry in ClinVar:

ClinVar aggregate classification (germline): Likely benign (1 of 4 stars; one submission).

Conditions:
Pheochromocytoma. Also called: MAX-Related Hereditary Paraganglioma-Pheochromocytoma Syndrome. Identifiers: Orphanet 29072, MedGen C0031511, MONDO:0008233, OMIM 171300, HP:0002666.

Submission:

Myriad Genetics, Inc.
Classification: Likely benign for Pheochromocytoma. Last evaluated: 2026-06-08. Review status: criteria provided, single submitter. Criteria: Myriad Autosomal Dominant, Autosomal Recessive and X-Linked Classification Criteria (2023). Collection method: clinical testing. Allele origin: unknown.
Comment: This variant is considered likely benign. This variant is intronic and is not expected to impact mRNA splicing.

NM_002382.5(MAX):c.296-17C>T

Gene: MAX (MYC associated transcriptional regulator X; minus strand). Cytogenetic location: 14q23.3.
Variant type: single nucleotide variant.
Coding change: c.296-17C>T on transcript NM_002382.5 (MANE Select); 17 bases into the intron before coding-DNA position 296, C replaced by T.
Molecular consequence: intron variant.
Genome position (GRCh38, 1-based): chr14:65,076,680, G>A on the plus strand (C>T on the coding strand, the complement: MAX is on the minus strand). VCF-style: chr14-65076680-G-A. GRCh37 (hg19) VCF-style: chr14-65543398-G-A.
Other names: c.144+17028C>T (NM_001271069.2); c.171+17028C>T (NM_197957.4); c.95-17C>T (NM_001407112.1, NM_001407111.1); c.107-17C>T (NM_001407106.1, NM_001407107.1, NM_001320415.2 and 1 more transcripts); c.269-17C>T (NM_001407095.1, NM_145112.3); c.*85-17C>T (NM_001407110.1, NM_001407101.1, NM_001407103.1 and 4 more transcripts); c.*69-17C>T (NM_001407102.1, NM_001407104.1, NM_001407108.1 and 2 more transcripts); c.296-17C>T (NM_001407094.1); and 1 more.
Identifiers: ClinVar variation 4875824 (VCV004875824.1).